The following is an entry in ClinVar:

NM_199355.4(ADAMTS18):c.2387A>G (p.Gln796Arg)

Gene: ADAMTS18 (ADAM metallopeptidase with thrombospondin type 1 motif 18; minus strand). Cytogenetic location: 16q23.1.
Variant type: single nucleotide variant.
Coding change: c.2387A>G on transcript NM_199355.4 (MANE Select); coding-DNA position 2387, A replaced by G.
Protein change: p.Gln796Arg; replaces glutamine 796 with arginine.
Molecular consequence: missense variant.
Genome position (GRCh38, 1-based): chr16:77,319,994, T>C on the plus strand (A>G on the coding strand, the complement: ADAMTS18 is on the minus strand). VCF-style: chr16-77319994-T-C. GRCh37 (hg19) VCF-style: chr16-77353891-T-C.
Other names: c.1871A>G, p.Gln624Arg (NM_001326358.2); c.2387A>G (NM_199355.2); short protein forms Q796R, Q624R.
Identifiers: ClinVar variation 2081519 (VCV002081519.6), dbSNP rs781152512, ClinGen allele CA8180924.

ClinVar aggregate classification (germline): Uncertain significance. Review status: criteria provided, multiple submitters, no conflicts (2 of 4 stars). 3 submissions from 3 submitters: Uncertain significance (3). Last evaluated 2023-12-16.

Conditions:
Inborn genetic diseases. Identifiers: MedGen C0950123, MeSH D030342.

gnomAD v4.1: 9 of 1,614,042 alleles (0.00056%); highest among the groups gnomAD compares: African/African-American, 0.004%; no homozygotes.

Submissions (3):

Ambry Genetics
Classification: Uncertain significance for Inborn genetic diseases. Last evaluated: 2023-12-16. Review status: criteria provided, single submitter. Criteria: Ambry Variant Classification Scheme 2023. Collection method: clinical testing. Allele origin: germline.

Labcorp Genetics (formerly Invitae), Labcorp
Classification: Uncertain significance. Last evaluated: 2022-09-06. Review status: criteria provided, single submitter. Criteria: Invitae Variant Classification Sherloc (09022015). Collection method: clinical testing. Allele origin: germline.
Comment: This variant has not been reported in the literature in individuals affected with ADAMTS18-related conditions. In summary, the available evidence is currently insufficient to determine the role of this variant in disease. Therefore, it has been classified as a Variant of Uncertain Significance. Algorithms developed to predict the effect of missense changes on protein structure and function output the following: SIFT: "Not Available"; PolyPhen-2: "Benign"; Align-GVGD: "Not Available". The arginine amino acid residue is found in multiple mammalian species, which suggests that this missense change does not adversely affect protein function. This variant is present in population databases (rs781152512, gnomAD 0.003%). This sequence change replaces glutamine, which is neutral and polar, with arginine, which is basic and polar, at codon 796 of the ADAMTS18 protein (p.Gln796Arg).

Blueprint Genetics
Classification: Uncertain significance. Last evaluated: 2022-04-20. Review status: criteria provided, single submitter. Criteria: ACMG Guidelines, 2015. Collection method: clinical testing. Allele origin: germline.